The following is an entry in ClinVar:

ClinVar aggregate classification (germline): Uncertain significance (1 of 4 stars; one submission).

Submission:

CeGaT Center for Human Genetics Tuebingen
Classification: Uncertain significance. Last evaluated: 2026-01-01. Review status: criteria provided, single submitter. Criteria: CeGaT Center For Human Genetics Tuebingen Variant Classification Criteria Version 2. Collection method: clinical testing. Allele origin: germline. Affected: yes. Observed: 1 variant allele.
Comment: SPEF2: PM2, BP4

NM_024867.4(SPEF2):c.3757G>C (p.Val1253Leu)

Gene: SPEF2 (sperm flagellar and cilia associated 2; plus strand). Cytogenetic location: 5p13.2.
Variant type: single nucleotide variant.
Coding change: c.3757G>C on transcript NM_024867.4 (MANE Select); coding-DNA position 3757, G replaced by C.
Protein change: p.Val1253Leu; replaces valine 1253 with leucine.
Molecular consequence: missense variant.
Genome position (GRCh38, 1-based): chr5:35,763,658, G>C. VCF-style: chr5-35763658-G-C. GRCh37 (hg19) VCF-style: chr5-35763760-G-C.
Other names: short protein forms V1253L.
Identifiers: ClinVar variation 4822841 (VCV004822841.4).